The following is an entry in ClinVar:

NM_001378454.1(ALMS1):c.5917C>T (p.Pro1973Ser)

Gene: ALMS1 (ALMS1 centrosome and basal body associated protein; plus strand). Cytogenetic location: 2p13.1.
Variant type: single nucleotide variant.
Coding change: c.5917C>T on transcript NM_001378454.1 (MANE Select); coding-DNA position 5917, C replaced by T.
Protein change: p.Pro1973Ser; replaces proline 1973 with serine.
Molecular consequence: missense variant.
Genome position (GRCh38, 1-based): chr2:73,452,444, C>T. VCF-style: chr2-73452444-C-T. GRCh37 (hg19) VCF-style: chr2-73679571-C-T.
Other names: c.5920C>T, p.Pro1974Ser (NM_015120.4); short protein forms P1973S, P1974S.
Identifiers: ClinVar variation 1750512 (VCV001750512.6), dbSNP rs775731258, ClinGen allele CA1713959.

ClinVar aggregate classification (germline): Uncertain significance. Review status: criteria provided, multiple submitters, no conflicts (2 of 4 stars). 3 submissions from 3 submitters: Uncertain significance (3). Last evaluated 2025-02-06.

Conditions:
Cardiovascular phenotype. Identifiers: MedGen CN230736.
Alstrom syndrome (ALMS). Identifiers: Orphanet 64, MedGen C0268425, MONDO:0008763, OMIM 203800.

Allele frequency attached by ClinVar (database versions not stated): TOPMed below 0.00001.
gnomAD v4.1: 5 of 1,614,018 alleles (0.00031%); highest among the groups gnomAD compares: East Asian, 0.0045%; no homozygotes.

Submissions (3):

Labcorp Genetics (formerly Invitae), Labcorp
Classification: Uncertain significance for Alstrom syndrome. Last evaluated: 2025-02-06. Review status: criteria provided, single submitter. Criteria: Invitae Variant Classification Sherloc (09022015). Collection method: clinical testing. Allele origin: germline.
Comment: This sequence change replaces proline, which is neutral and non-polar, with serine, which is neutral and polar, at codon 1974 of the ALMS1 protein (p.Pro1974Ser). This variant is present in population databases (rs775731258, gnomAD 0.01%). This variant has not been reported in the literature in individuals affected with ALMS1-related conditions. ClinVar contains an entry for this variant (Variation ID: 1750512). Experimental studies and prediction algorithms are not available or were not evaluated, and the functional significance of this variant is currently unknown. In summary, the available evidence is currently insufficient to determine the role of this variant in disease. Therefore, it has been classified as a Variant of Uncertain Significance.

GeneDx
Classification: Uncertain significance. Last evaluated: 2024-05-20. Review status: criteria provided, single submitter. Criteria: GeneDx Variant Classification Process June 2021. Collection method: clinical testing. Allele origin: germline. Affected: yes.
Comment: Not observed at significant frequency in large population cohorts (gnomAD); In silico analysis indicates that this missense variant does not alter protein structure/function; Has not been previously published as pathogenic or benign to our knowledge

Ambry Genetics
Classification: Uncertain significance for Cardiovascular phenotype. Last evaluated: 2020-02-26. Review status: criteria provided, single submitter. Criteria: Ambry Variant Classification Scheme 2023. Collection method: clinical testing. Allele origin: germline.
Comment: The p.P1974S variant (also known as c.5920C>T), located in coding exon 8 of the ALMS1 gene, results from a C to T substitution at nucleotide position 5920. The proline at codon 1974 is replaced by serine, an amino acid with similar properties. This amino acid position is poorly conserved in available vertebrate species. In addition, this alteration is predicted to be tolerated by in silico analysis. Since supporting evidence is limited at this time, the clinical significance of this alteration remains unclear.